The following is an entry in ClinVar:

NM_001083116.3(PRF1):c.386G>C (p.Trp129Ser)

Gene: PRF1 (perforin 1; minus strand). Cytogenetic location: 10q22.1.
Variant type: single nucleotide variant.
Coding change: c.386G>C on transcript NM_001083116.3 (MANE Select); coding-DNA position 386, G replaced by C.
Protein change: p.Trp129Ser; replaces tryptophan 129 with serine.
Molecular consequence: missense variant.
Genome position (GRCh38, 1-based): chr10:70,600,517, C>G on the plus strand (G>C on the coding strand, the complement: PRF1 is on the minus strand). VCF-style: chr10-70600517-C-G. GRCh37 (hg19) VCF-style: chr10-72360273-C-G.
Other names: c.386G>C, p.Trp129Ser (NM_005041.6); c.386G>C (NM_005041.5); short protein forms W129S.
Identifiers: ClinVar variation 548929 (VCV000548929.19), dbSNP rs768849283, ClinGen allele CA5539052.

ClinVar aggregate classification (germline): Pathogenic/Likely pathogenic. Review status: criteria provided, multiple submitters, no conflicts (2 of 4 stars). 11 submissions from 11 submitters: Pathogenic (7); Likely pathogenic (3). 1 of the submissions does not count toward it. Last evaluated 2025-03-13.

Conditions:
Familial hemophagocytic lymphohistiocytosis 2 (FHL2). Also called: PRF1-Related Familial Hemophagocytic Lymphohistiocytosis (PRF1-fHLH). Identifiers: Orphanet 540, MedGen C1863727, MONDO:0011337, OMIM 603553.
Aplastic anemia. Identifiers: Orphanet 182040, Orphanet 88, MedGen C0002874, MONDO:0015909, OMIM 609135, HP:0001915.
Familial hemophagocytic lymphohistiocytosis (FHL). Also called: Familial erythrophagocytic lymphohistiocytosis; Familial histiocytic reticulosis; Hereditary hemophagocytic lymphohistiocytosis. Identifiers: Orphanet 158038, Orphanet 540, MedGen C0272199, MONDO:0015541.

Allele frequency attached by ClinVar (database versions not stated): TOPMed 0.00001; gnomAD exomes 0.00004 and 0.00007; ExAC 0.00007.

Submissions (11):

3billion
Classification: Pathogenic for Familial hemophagocytic lymphohistiocytosis 2. Last evaluated: 2025-03-13. Review status: criteria provided, single submitter. Criteria: ACMG Guidelines, 2015. Collection method: clinical testing. Allele origin: germline. Affected: yes.
Comment: The variant is observed at an extremely low frequency in the gnomAD v4.1.0 dataset (total allele frequency: 0.004%). Predicted Consequence/Location: Missense variant In silico tool predictions suggest damaging effect of the variant on gene or gene product [REVEL: 0.76 (>=0.6, sensitivity 0.68 and specificity 0.92); 3Cnet: 0.98 (> 0.75, sensitivity 0.96 and precision 0.92)]. The same nucleotide change resulting in the same amino acid change has been previously reported as pathogenic/likely pathogenic with strong evidence (ClinVar ID: VCV000548929 / PMID: 22186995). The variant has been reported to be in trans with a pathogenic variant as either compound heterozygous or homozygous in at least one similarly affected unrelated individual (PMID: 25577959, 30849948). A different missense change at the same codon (p.Trp129Arg) has been reported to be associated with PRF1-related disorder (PMID: 27781387). Therefore, this variant is classified as Pathogenic according to the recommendation of ACMG/AMP guideline.

Genomic Medicine Center of Excellence, King Faisal Specialist Hospital and Research Centre
Classification: Pathogenic for Familial hemophagocytic lymphohistiocytosis 2. Last evaluated: 2024-12-18. Review status: criteria provided, single submitter. Criteria: ACMG Guidelines, 2015. Collection method: clinical testing. Allele origin: germline.

Baylor Genetics
Classification: Pathogenic for Aplastic anemia. Last evaluated: 2024-01-18. Review status: criteria provided, single submitter. Criteria: ACMG Guidelines, 2015. Collection method: clinical testing. Allele origin: unknown.

Labcorp Genetics (formerly Invitae), Labcorp
Classification: Pathogenic for Familial hemophagocytic lymphohistiocytosis 2. Last evaluated: 2024-01-14. Review status: criteria provided, single submitter. Criteria: Invitae Variant Classification Sherloc (09022015). Collection method: clinical testing. Allele origin: germline.
Comment: This sequence change replaces tryptophan, which is neutral and slightly polar, with serine, which is neutral and polar, at codon 129 of the PRF1 protein (p.Trp129Ser). This variant is present in population databases (rs768849283, gnomAD 0.06%). This missense change has been observed in individual(s) with familial hemophagocytic lymphohistiocytosis (PMID: 22186995, 25577959, 30849948; Invitae). In at least one individual the data is consistent with being in trans (on the opposite chromosome) from a pathogenic variant. ClinVar contains an entry for this variant (Variation ID: 548929). Advanced modeling of protein sequence and biophysical properties (such as structural, functional, and spatial information, amino acid conservation, physicochemical variation, residue mobility, and thermodynamic stability) has been performed at Invitae for this missense variant, however the output from this modeling did not meet the statistical confidence thresholds required to predict the impact of this variant on PRF1 protein function. For these reasons, this variant has been classified as Pathogenic.

Revvity Omics, Revvity
Classification: Likely pathogenic. Last evaluated: 2024-01-02. Review status: criteria provided, single submitter. Criteria: ACMG Guidelines, 2015. Collection method: clinical testing. Allele origin: germline.

Institute of Medical Genetics and Genomics, Sir Ganga Ram Hospital
Classification: Likely pathogenic for Familial hemophagocytic lymphohistiocytosis 2. Last evaluated: 2023-10-23. Review status: criteria provided, single submitter. Criteria: ACMG Guidelines, 2015. Collection method: clinical testing. Allele origin: germline. Inheritance: Autosomal recessive inheritance. Affected: yes. Observed: 1 homozygote.
Comment: This nucleotide changeis present in gnomAD database with an allele frequency of 0.0068% [PM2]. To our knowledge there are no homozygotes in gnomAd database. Insilico prediction [REVEL: 0.7] predicts a deleterious nature of this variant [PP3]. A clinvar entry [Variation ID: 548929] for this variant is available with a “Pathogenic” interpretation by multiple submitter . PMID [30849948]. Based on the clinical correlation and available evidence, this variant is classified as "Likely Pathogenic"

Women's Health and Genetics/Laboratory Corporation of America, LabCorp
Classification: Pathogenic for Familial hemophagocytic lymphohistiocytosis. Last evaluated: 2021-10-19. Review status: criteria provided, single submitter. Criteria: LabCorp Variant Classification Summary - May 2015. Collection method: clinical testing. Allele origin: germline.
Comment: Variant summary: PRF1 c.386G>C (p.Trp129Ser) results in a non-conservative amino acid change located in the Membrane attack complex component/perforin (MACPF) domain (IPR020864) of the encoded protein sequence. Five of five in-silico tools predict a damaging effect of the variant on protein function. The variant allele was found at a frequency of 6.8e-05 in 251216 control chromosomes. This frequency is not significantly higher than estimated for a pathogenic variant in PRF1 causing Familial Hemophagocytic Lymphohistiocytosis (6.8e-05 vs 0.0027), allowing no conclusion about variant significance. c.386G>C has been reported in the literature in multiple individuals affected with Familial Hemophagocytic Lymphohistiocytosis (example, Mhatre_2014, Sheth_2019, Yadav_2020). These data indicate that the variant is very likely to be associated with disease. To our knowledge, no experimental evidence demonstrating an impact on protein function has been reported. One clinical diagnostic laboratory has submitted clinical-significance assessments for this variant to ClinVar after 2014 without evidence for independent evaluation and classified the variant as likely pathogenic. Based on the evidence outlined above, the variant was classified as pathogenic.

Genetics and Genomic Medicine Centre, NeuroGen Healthcare, NeuroGen Healthcare
Classification: Pathogenic for Familial hemophagocytic lymphohistiocytosis 2. Last evaluated: 2021-09-13. Review status: criteria provided, single submitter. Criteria: Submitter's publication. Collection method: clinical testing. Allele origin: unknown. Affected: no.

Victorian Clinical Genetics Services, Murdoch Childrens Research Institute
Classification: Pathogenic for Familial hemophagocytic lymphohistiocytosis 2. Last evaluated: 2020-10-19. Review status: criteria provided, single submitter. Criteria: ACMG Guidelines, 2015. Collection method: clinical testing. Allele origin: germline. Inheritance: Autosomal recessive inheritance. Affected: no.
Comment: Based on the classification scheme VCGS_Germline_v1.3.3, this variant is classified as Pathogenic. Following criteria are met: 0102 - Loss of function is a known mechanism of disease in this gene and is associated with hemophagocytic lymphohistiocytosis, familial, 2 (HLH) (MIM#603553). (I) 0106 - This gene is associated with autosomal recessive disease. (I) 0200 - Variant is predicted to result in a missense amino acid change from tryptophan to serine. (I) 0251 - This variant is heterozygous. (I) 0304 - Variant is present in gnomAD v2 <0.01 for a recessive condition (17 heterozygotes, 0 homozygotes). (SP) 0501 - Missense variant consistently predicted to be damaging by multiple in silico tools or highly conserved with a major amino acid change. (SP) 0604 - Variant is not located in an established domain, motif, hotspot or informative constraint region. (I) 0704 - Another missense variant comparable to the one identified in this case has limited previous evidence for pathogenicity. An alternative missense change at this position (p.Trp129Arg) has been reported in a heterozygous patient with HLH (PMID: 27209435). (SP) 0801 - This variant has strong previous evidence of pathogenicity in unrelated individuals. This variant has been reported as likely pathogenic, and has been observed in multiple homozygous, compound heterozygous and a single heterozygous patient with HLH and perforin deficiency (ClinVar, PMID: 30849948, PMID: 24390453, PMID: 25577959, Kapoor (2016)). (SP) 0905 - No published segregation evidence has been identified for this variant. (I) 1007 - No published functional evidence has been identified for this variant. (I) 1208 - Inheritance information for this variant is not currently available in this individual. (I) Legend: (SP) - Supporting pathogenic, (I) - Information, (SB) - Supporting benign

Neuberg Centre For Genomic Medicine, NCGM
Classification: Likely pathogenic for Familial hemophagocytic lymphohistiocytosis 2. Review status: criteria provided, single submitter. Criteria: ACMG Guidelines, 2015. Collection method: clinical testing. Allele origin: germline. Inheritance: Autosomal recessive inheritance. Affected: yes.
Comment: The PRF1 c.386G>C variant has been reported in multiple individuals affected with Hemophagocytic lymphohistiocytosis, familial, 2 (Molleran et al., 2004; Mhatre et. al., 2014). The p.Trp129Ser variant is novel (not in any individuals) in 1000 Genomes and has allele frequency of 0.006767% in gnomAD database. This variant has been reported to the ClinVar database (Pathogenic/Likely Pathogenic). The amino acid Trp at position 129 is changed to a Ser changing protein sequence and it might alter its composition and physico-chemical properties. The amino acid change p.Trp129Ser in PRF1 is predicted as conserved by GERP++ and PhyloP across 100 vertebrates. For these reasons, this variant has been classified as Likely Pathogenic.

Foundation for Research in Genetics and Endocrinology, FRIGE's Institute of Human Genetics
Classification: Likely pathogenic for Familial hemophagocytic lymphohistiocytosis 2. Last evaluated: 2017-11-01. Review status: no assertion criteria provided. Collection method: clinical testing. Allele origin: germline. Inheritance: Autosomal recessive inheritance. Affected: yes and no. Observed: 3 variant alleles, 2 heterozygotes, 1 homozygote. Clinical features observed: Hepatomegaly (HP:0002240), Decreased liver function (HP:0001410), Increased circulating ferritin concentration (HP:0003281), Hypertriglyceridemia (HP:0002155), Hypofibrinogenemia (HP:0011900), Pancytopenia (HP:0001876). Not counted in ClinVar's aggregate classification.
Comment: The observed variant c.386G>C(p.W129S) is not reported in 1000 Genomes and has a minor allele frequency of 0.00006618 in ExAc Database. The in silico prediction of the variant is Disease-causing by mutation taster and tolerated by SIFT and probably damaging by Polyphen-2.

Literature cited by the submitters: PubMed 27781387 (cited by 3billion); PubMed 25577959 (cited by 3 submitters); PubMed 22186995 (cited by 3billion and Labcorp Genetics (formerly Invitae), Labcorp); PubMed 30849948 (cited by 5 submitters); PubMed 33365035 (cited by Women's Health and Genetics/Laboratory Corporation of America, LabCorp); PubMed 24390453 (cited by Women's Health and Genetics/Laboratory Corporation of America, LabCorp and Victorian Clinical Genetics Services, Murdoch Childrens Research Institute); PubMed 19487666 (cited by Victorian Clinical Genetics Services, Murdoch Childrens Research Institute); PubMed 27209435 (cited by Victorian Clinical Genetics Services, Murdoch Childrens Research Institute).